The following is an entry in ClinVar:

ClinVar aggregate classification (germline): Conflicting classifications of pathogenicity. Review status: criteria provided, conflicting classifications (1 of 4 stars). 5 submissions from 5 submitters: Pathogenic (1); Likely pathogenic (2); Uncertain significance (2). Last evaluated 2026-04-17.

Conditions:
Galactosylceramide beta-galactosidase deficiency. Also called: Leukodystrophy, Globoid Cell; GALACTOCEREBROSIDASE DEFICIENCY; GALC DEFICIENCY; GLOBOID CELL LEUKOENCEPHALOPATHY; Krabbe Disease. Identifiers: Orphanet 487, MedGen C0023521, MONDO:0009499, OMIM 245200.

Submissions (5):

Myriad Genetics, Inc.
Classification: Uncertain significance for Galactosylceramide beta-galactosidase deficiency. Last evaluated: 2026-04-17. Review status: criteria provided, single submitter. Criteria: Myriad Autosomal Dominant, Autosomal Recessive and X-Linked Classification Criteria (2023). Collection method: clinical testing. Allele origin: unknown.
Comment: NM_000153.3(GALC):c.2037_2040delTCTT(F679Lfs*9) is a readthrough frameshift variant classified as a variant of uncertain significance in the context of Krabbe disease. F679Lfs*9 has not been observed in cases with relevant disease. Relevant functional assessments of this variant are not available in the literature. F679Lfs*9 has been observed in referenced population frequency databases. In summary, there is insufficient evidence to classify NM_000153.3(GALC):c.2037_2040delTCTT(F679Lfs*9) as pathogenic or benign. Please note: this variant was assessed in the context of healthy population screening.

Natera, Inc.
Classification: Likely pathogenic for Galactosylceramide beta-galactosidase deficiency. Last evaluated: 2025-03-24. Review status: criteria provided, single submitter. Criteria: Natera Variant Classification Schema (03/2026). Collection method: clinical testing. Allele origin: germline.
Comment: The c.2037_2040del variant in GALC is a frameshift variant predicted to elongate the protein beyond the termination codon. This variant is expected to result in nonsense mediated decay, truncation, or a dysfunctional protein product. This variant is rare in the general population with a frequency below the threshold expected for the associated phenotype(s). Given the available evidence, this variant is classified as Likely Pathogenic.

Fulgent Genetics
Classification: Likely pathogenic for Galactosylceramide beta-galactosidase deficiency. Last evaluated: 2024-02-23. Review status: criteria provided, single submitter. Criteria: ACMG Guidelines, 2015. Collection method: clinical testing. Allele origin: germline.

Labcorp Genetics (formerly Invitae), Labcorp
Classification: Pathogenic for Galactosylceramide beta-galactosidase deficiency. Last evaluated: 2023-12-11. Review status: criteria provided, single submitter. Criteria: Invitae Variant Classification Sherloc (09022015). Collection method: clinical testing. Allele origin: germline.
Comment: This sequence change creates a premature translational stop signal (p.Phe679Leufs*9) in the GALC gene. While this is not anticipated to result in nonsense mediated decay, it is expected to disrupt the last 7 amino acid(s) of the GALC protein. This variant is present in population databases (rs754507781, gnomAD 0.003%). This variant has not been reported in the literature in individuals affected with GALC-related conditions. ClinVar contains an entry for this variant (Variation ID: 841901). This variant disrupts a region of the GALC protein in which other variant(s) (p.Val681Met) have been determined to be pathogenic (PMID: 23462331, 31885218). This suggests that this is a clinically significant region of the protein, and that variants that disrupt it are likely to be disease-causing. For these reasons, this variant has been classified as Pathogenic.

Revvity Omics, Revvity
Classification: Uncertain significance. Last evaluated: 2023-02-05. Review status: criteria provided, single submitter. Criteria: ACMG Guidelines, 2015. Collection method: clinical testing. Allele origin: germline.

Literature cited by the submitters: PubMed 23462331 (cited by Labcorp Genetics (formerly Invitae), Labcorp); PubMed 31885218 (cited by Labcorp Genetics (formerly Invitae), Labcorp).

NM_000153.4(GALC):c.2037_2040del (p.Phe679fs)

Gene: GALC (galactosylceramidase; minus strand). Cytogenetic location: 14q31.3.
Variant type: Deletion.
Coding change: c.2037_2040del on transcript NM_000153.4 (MANE Select); coding-DNA positions 2037 to 2040, 4 bases deleted (TCTT; older notation c.2037_2040delTCTT).
Protein change: p.Phe679fs; shifts the reading frame from phenylalanine 679.
Molecular consequence: frameshift variant.
Genome position (GRCh38, 1-based): chr14:87,934,750-87,934,753, AAGA deleted on the plus strand (TCTT on the coding strand, the reverse complement: GALC is on the minus strand); deleting any 4 consecutive bases within chr14:87,934,750-87,934,756 gives the same sequence; the c. name uses the placement nearest the transcript's 3' end. VCF-style (leftmost placement, unchanged base first): chr14-87934749-CAAGA-C. GRCh37 (hg19) VCF-style: chr14-88401093-CAAGA-C.
Other names: c.1968_1971del, p.Phe656fs (NM_001201401.2); c.1959_1962del, p.Phe653fs (NM_001201402.2); short protein forms F679fs, F656fs, F653fs.
Identifiers: ClinVar variation 841901 (VCV000841901.14), dbSNP rs754507781, ClinGen allele CA7296828.